The following is an entry in ClinVar:

ClinVar aggregate classification (germline): Uncertain significance (1 of 4 stars; one submission).

Conditions:
Primary ciliary dyskinesia. Also called: Ciliary dyskinesia. Identifiers: Orphanet 244, MedGen C0008780, MONDO:0016575, HP:0012265.

Submission:

Ambry Genetics
Classification: Uncertain significance for Primary ciliary dyskinesia. Last evaluated: 2015-09-21. Review status: criteria provided, single submitter. Criteria: Ambry Variant Classification Scheme 2023. Collection method: clinical testing. Allele origin: germline.
Comment: The p.N175H variant (also known as c.523A>C), located in coding exon 4 of the DNAI2 gene, results from an A to C substitution at nucleotide position 523. The asparagine at codon 175 is replaced by histidine, an amino acid with similar properties. This variant was not reported in population based cohorts in the following databases: Database of Single Nucleotide Polymorphisms (dbSNP), NHLBI Exome Sequencing Project (ESP), and 1000 Genomes Project. In the ESP, this variant was not observed in 6503 samples (13006 alleles) with coverage at this position. This amino acid position is not well conserved in available vertebrate species. In addition, this alteration is predicted to be tolerated by in silico analysis. Since supporting evidence is limited at this time, the clinical significance of this variant remains unclear.

NM_023036.6(DNAI2):c.523A>C (p.Asn175His)

Gene: DNAI2 (dynein axonemal intermediate chain 2; plus strand). Cytogenetic location: 17q25.1.
Variant type: single nucleotide variant.
Coding change: c.523A>C on transcript NM_023036.6 (MANE Select); coding-DNA position 523, A replaced by C.
Protein change: p.Asn175His; replaces asparagine 175 with histidine.
Molecular consequence: missense variant. On other transcripts: non-coding transcript variant (1).
Genome position (GRCh38, 1-based): chr17:74,289,649, A>C. VCF-style: chr17-74289649-A-C. GRCh37 (hg19) VCF-style: chr17-72285788-A-C.
Other names: c.523A>C, p.Asn175His (NM_001172810.3, NM_001353167.2); short protein forms N175H.
Identifiers: ClinVar variation 1746271 (VCV001746271.2), dbSNP rs2051964339, ClinGen allele CA400906010.